The following is an entry in ClinVar:

ClinVar aggregate classification (germline): Uncertain significance (1 of 4 stars; one submission).

Conditions:
Inborn genetic diseases. Identifiers: MedGen C0950123, MeSH D030342.

gnomAD v4.1: 3 of 1,611,684 alleles (0.00019%); highest among the groups gnomAD compares: Non-Finnish European, 0.00025%; no homozygotes.

Submission:

Ambry Genetics
Classification: Uncertain significance for Inborn genetic diseases. Last evaluated: 2024-08-17. Review status: criteria provided, single submitter. Criteria: Ambry Variant Classification Scheme 2023. Collection method: clinical testing. Allele origin: germline.
Comment: The p.S961P variant (also known as c.2881T>C), located in coding exon 23 of the LRRK2 gene, results from a T to C substitution at nucleotide position 2881. The serine at codon 961 is replaced by proline, an amino acid with similar properties. This amino acid position is conserved. In addition, this alteration is predicted to be tolerated by in silico analysis. Based on the available evidence, the clinical significance of this variant remains unclear.

NM_198578.4(LRRK2):c.2881T>C (p.Ser961Pro)

Gene: LRRK2 (leucine rich repeat kinase 2; plus strand). Cytogenetic location: 12q12.
Variant type: single nucleotide variant.
Coding change: c.2881T>C on transcript NM_198578.4 (MANE Select); coding-DNA position 2881, T replaced by C.
Protein change: p.Ser961Pro; replaces serine 961 with proline.
Molecular consequence: missense variant.
Genome position (GRCh38, 1-based): chr12:40,295,429, T>C. VCF-style: chr12-40295429-T-C. GRCh37 (hg19) VCF-style: chr12-40689231-T-C.
Other names: short protein forms S961P.
Identifiers: ClinVar variation 3540513 (VCV003540513.1).